The following is an entry in ClinVar:

ClinVar aggregate classification (germline): Uncertain significance. Review status: criteria provided, multiple submitters, no conflicts (2 of 4 stars). 2 submissions from 2 submitters: Uncertain significance (2). Last evaluated 2022-12-19.

Conditions:
Joubert syndrome 20 (JBTS20). Identifiers: Orphanet 475, MedGen C3554235, MONDO:0013994, OMIM 614970.
Meckel syndrome, type 11 (MKS11). Identifiers: Orphanet 564, MedGen C3809352, MONDO:0014164, OMIM 615397.
Inborn genetic diseases. Identifiers: MedGen C0950123, MeSH D030342.

Allele frequency attached by ClinVar (database versions not stated): gnomAD exomes 0.00001; ExAC 0.00005; gnomAD 0.00006; TOPMed 0.00006; ESP Exome Variant Server 0.00008.
gnomAD v4.1: 19 of 1,567,270 alleles (0.0012%); highest among the groups gnomAD compares: African/African-American, 0.023%; no homozygotes.

Submissions (2):

Ambry Genetics
Classification: Uncertain significance for Inborn genetic diseases. Last evaluated: 2022-12-19. Review status: criteria provided, single submitter. Criteria: Ambry Variant Classification Scheme 2023. Collection method: clinical testing. Allele origin: germline.

Labcorp Genetics (formerly Invitae), Labcorp
Classification: Uncertain significance for Joubert syndrome 20; Meckel syndrome, type 11. Last evaluated: 2022-07-12. Review status: criteria provided, single submitter. Criteria: Invitae Variant Classification Sherloc (09022015). Collection method: clinical testing. Allele origin: germline.
Comment: In summary, the available evidence is currently insufficient to determine the role of this variant in disease. Therefore, it has been classified as a Variant of Uncertain Significance. Algorithms developed to predict the effect of sequence changes on RNA splicing suggest that this variant may create or strengthen a splice site. Algorithms developed to predict the effect of missense changes on protein structure and function are either unavailable or do not agree on the potential impact of this missense change (SIFT: "Deleterious"; PolyPhen-2: "Not Available"; Align-GVGD: "Class C15"). ClinVar contains an entry for this variant (Variation ID: 1426907). This variant has not been reported in the literature in individuals affected with TMEM231-related conditions. The frequency data for this variant in the population databases is considered unreliable, as metrics indicate poor data quality at this position in the gnomAD database. This sequence change replaces glycine, which is neutral and non-polar, with arginine, which is basic and polar, at codon 65 of the TMEM231 protein (p.Gly65Arg).

NM_001077418.3(TMEM231):c.131G>A (p.Arg44Gln)

Gene: TMEM231 (transmembrane protein 231; minus strand). Cytogenetic location: 16q23.1.
Variant type: single nucleotide variant.
Coding change: c.131G>A on transcript NM_001077418.3 (MANE Select); coding-DNA position 131, G replaced by A.
Protein change: p.Arg44Gln; replaces arginine 44 with glutamine.
Molecular consequence: missense variant. On other transcripts: non-coding transcript variant (1).
Genome position (GRCh38, 1-based): chr16:75,556,079, C>T on the plus strand (G>A on the coding strand, the complement: TMEM231 is on the minus strand). VCF-style: chr16-75556079-C-T. GRCh37 (hg19) VCF-style: chr16-75589977-C-T.
Other names: c.193G>A, p.Gly65Arg (NM_001077416.2); c.121G>A (NM_001077416.1); short protein forms G65R, R44Q.
Identifiers: ClinVar variation 1426907 (VCV001426907.5), dbSNP rs368402335, ClinGen allele CA8176299.